The following is an entry in ClinVar:

ClinVar aggregate classification (germline): Conflicting classifications of pathogenicity. Review status: criteria provided, conflicting classifications (1 of 4 stars). 7 submissions from 2 submitters: Uncertain significance (3); Benign (2); Likely benign (2). Last evaluated 2024-08-12.

Conditions:
Adult-onset foveomacular vitelliform dystrophy. Also called: FOVEOMACULAR DYSTROPHY, ADULT-ONSET; FOVEOMACULAR DYSTROPHY, ADULT-ONSET, WITH OR WITHOUT CHOROIDAL NEOVASCULARIZATION; Adult onset vitelliform dystrophy. Identifiers: Orphanet 99000, MedGen C1842914, MONDO:0011979.
Choroidal dystrophy, central areolar 2 (CACD2). Also called: Choriodal Dystrophy, Central Areolar 2; MACULAR DYSTROPHY, PROGRESSIVE. Identifiers: Orphanet 75377, MedGen C2751290, MONDO:0013137, OMIM 613105.
Cone-rod dystrophy. Also called: Cone/cone-rod dystrophy; Cone-rod degeneration. Identifiers: Orphanet 1872, MedGen C4085590, MONDO:0015993, HP:0000548.
Retinitis pigmentosa (RP). Identifiers: Orphanet 791, MedGen C0035334, MeSH D012174, MONDO:0019200, OMIM 268000. Inheritance: Autosomal dominant, autosomal recessive and X linked inheritance.
Patterned macular dystrophy 1. Also called: MACULAR DYSTROPHY, BUTTERFLY-SHAPED PIGMENTARY; BUTTERFLY DYSTROPHY OF RETINAL PIGMENT EPITHELIUM. Identifiers: Orphanet 99001, MedGen C4551999, MONDO:0008210, OMIM 169150.
Pigmentary retinal dystrophy. Also called: Fundus albipunctatus. Identifiers: Orphanet 227796, Orphanet 52427, MedGen C0311338, MONDO:0007639, OMIM 136880, HP:0030642.

Allele frequency attached by ClinVar (database versions not stated): gnomAD exomes 0.00022; ExAC 0.00023; ESP Exome Variant Server 0.00023; TOPMed 0.00040; gnomAD 0.00042 and 0.00044; 1000 Genomes Project 0.00080; 1000 Genomes Project 30x 0.00094.
gnomAD v4.1: 237 of 1,613,146 alleles (0.015%); highest among the groups gnomAD compares: African/African-American, 0.092%; 1 homozygote.

Submissions (7):

Blueprint Genetics
Classification: Likely benign. Last evaluated: 2024-08-12. Review status: criteria provided, single submitter. Criteria: ACMG Guidelines, 2015. Collection method: clinical testing. Allele origin: germline.

Illumina Laboratory Services, Illumina
Classification: Uncertain significance for Retinitis pigmentosa. Last evaluated: 2018-01-12. Review status: criteria provided, single submitter. Criteria: ICSL Variant Classification Criteria 13 December 2019. Collection method: clinical testing. Allele origin: germline.

Illumina Laboratory Services, Illumina
Classification: Uncertain significance for Pigmentary retinal dystrophy. Last evaluated: 2018-01-12. Review status: criteria provided, single submitter. Criteria: ICSL Variant Classification Criteria 13 December 2019. Collection method: clinical testing. Allele origin: germline.

Illumina Laboratory Services, Illumina
Classification: Benign for Vitelliform macular dystrophy 3. Last evaluated: 2018-01-12. Review status: criteria provided, single submitter. Criteria: ICSL Variant Classification Criteria 13 December 2019. Collection method: clinical testing. Allele origin: germline.
Comment: This variant was observed in the ICSL laboratory as part of a predisposition screen in an ostensibly healthy population. It had not been previously curated by ICSL or reported in the Human Gene Mutation Database (HGMD: prior to June 1st, 2018), and was therefore a candidate for classification through an automated scoring system. Utilizing variant allele frequency, disease prevalence and penetrance estimates, and inheritance mode, an automated score was calculated to assess if this variant is too frequent to cause the disease. Based on the score and internal cut-off values, a variant classified as benign is not then subjected to further curation. The score for this variant resulted in a classification of benign for this disease.

Illumina Laboratory Services, Illumina
Classification: Benign for Choroidal dystrophy, central areolar 2. Last evaluated: 2018-01-12. Review status: criteria provided, single submitter. Criteria: ICSL Variant Classification Criteria 13 December 2019. Collection method: clinical testing. Allele origin: germline.
Comment: the same text as in the submission from Illumina Laboratory Services, Illumina above.

Illumina Laboratory Services, Illumina
Classification: Likely benign for Cone-rod dystrophy. Last evaluated: 2018-01-12. Review status: criteria provided, single submitter. Criteria: ICSL Variant Classification Criteria 13 December 2019. Collection method: clinical testing. Allele origin: germline.
Comment: This variant was observed in the ICSL laboratory as part of a predisposition screen in an ostensibly healthy population. It had not been previously curated by ICSL or reported in the Human Gene Mutation Database (HGMD: prior to June 1st, 2018), and was therefore a candidate for classification through an automated scoring system. Utilizing variant allele frequency, disease prevalence and penetrance estimates, and inheritance mode, an automated score was calculated to assess if this variant is too frequent to cause the disease. Based on the score and internal cut-off values, a variant classified as likely benign is not then subjected to further curation. The score for this variant resulted in a classification of likely benign for this disease.

Illumina Laboratory Services, Illumina
Classification: Uncertain significance for Patterned macular dystrophy 1. Last evaluated: 2018-01-12. Review status: criteria provided, single submitter. Criteria: ICSL Variant Classification Criteria 13 December 2019. Collection method: clinical testing. Allele origin: germline.

NM_000322.5(PRPH2):c.*20C>T

Gene: PRPH2 (peripherin 2; minus strand). Cytogenetic location: 6p21.1.
Variant type: single nucleotide variant.
Coding change: c.*20C>T on transcript NM_000322.5 (MANE Select); 20 bases downstream of the stop codon, C replaced by T.
Molecular consequence: 3 prime UTR variant.
Genome position (GRCh38, 1-based): chr6:42,698,275, G>A on the plus strand (C>T on the coding strand, the complement: PRPH2 is on the minus strand). VCF-style: chr6-42698275-G-A. GRCh37 (hg19) VCF-style: chr6-42666013-G-A.
Identifiers: ClinVar variation 356775 (VCV000356775.6), dbSNP rs180775924, ClinGen allele CA3808450.